The following is an entry in ClinVar:

ClinVar aggregate classification (germline): Uncertain significance (1 of 4 stars; one submission).

Conditions:
Charcot-Marie-Tooth disease type 2. Also called: Charcot-Marie-Tooth type 2. Identifiers: Orphanet 64746, MedGen C0270914, MONDO:0018993.

gnomAD v4.1: 2 of 1,614,050 alleles (0.00012%); highest among the groups gnomAD compares: African/African-American, 0.0027%; no homozygotes.

Submission:

Labcorp Genetics (formerly Invitae), Labcorp
Classification: Uncertain significance for Charcot-Marie-Tooth disease type 2. Last evaluated: 2022-06-26. Review status: criteria provided, single submitter. Criteria: Invitae Variant Classification Sherloc (09022015). Collection method: clinical testing. Allele origin: germline.
Comment: This sequence change replaces glycine, which is neutral and non-polar, with alanine, which is neutral and non-polar, at codon 80 of the MFN2 protein (p.Gly80Ala). In summary, the available evidence is currently insufficient to determine the role of this variant in disease. Therefore, it has been classified as a Variant of Uncertain Significance. Advanced modeling of protein sequence and biophysical properties (such as structural, functional, and spatial information, amino acid conservation, physicochemical variation, residue mobility, and thermodynamic stability) performed at Invitae indicates that this missense variant is not expected to disrupt MFN2 protein function. ClinVar contains an entry for this variant (Variation ID: 1041723). This variant has not been reported in the literature in individuals affected with MFN2-related conditions. This variant is present in population databases (no rsID available, gnomAD 0.008%).

NM_014874.4(MFN2):c.239G>C (p.Gly80Ala)

Gene: MFN2 (mitofusin 2; plus strand). Cytogenetic location: 1p36.22.
Variant type: single nucleotide variant.
Coding change: c.239G>C on transcript NM_014874.4 (MANE Select); coding-DNA position 239, G replaced by C.
Protein change: p.Gly80Ala; replaces glycine 80 with alanine.
Molecular consequence: missense variant.
Genome position (GRCh38, 1-based): chr1:11,992,618, G>C. VCF-style: chr1-11992618-G-C. GRCh37 (hg19) VCF-style: chr1-12052675-G-C.
Other names: c.239G>C, p.Gly80Ala (NM_001127660.2); short protein forms G80A.
Identifiers: ClinVar variation 1041723 (VCV001041723.8), dbSNP rs139827903, ClinGen allele CA338461909.